The following is an entry in ClinVar:

NM_006206.6(PDGFRA):c.956C>G (p.Pro319Arg)

Gene: PDGFRA (platelet derived growth factor receptor alpha; plus strand). Cytogenetic location: 4q12.
Variant type: single nucleotide variant.
Coding change: c.956C>G on transcript NM_006206.6 (MANE Select); coding-DNA position 956, C replaced by G.
Protein change: p.Pro319Arg; replaces proline 319 with arginine.
Molecular consequence: missense variant.
Genome position (GRCh38, 1-based): chr4:54,267,576, C>G. VCF-style: chr4-54267576-C-G. GRCh37 (hg19) VCF-style: chr4-55133743-C-G.
Other names: c.956C>G, p.Pro319Arg (NM_001347827.2, NM_001347829.2); c.1031C>G, p.Pro344Arg (NM_001347828.2); c.995C>G, p.Pro332Arg (NM_001347830.2); short protein forms P319R, P344R, P332R.
Identifiers: ClinVar variation 4740314 (VCV004740314.1).

ClinVar aggregate classification (germline): Uncertain significance (1 of 4 stars; one submission).

Conditions:
Gastrointestinal stromal tumor. Also called: Gastrointestinal stromal tumor, somatic; Gastrointestinal stroma tumor. Identifiers: Orphanet 44890, MedGen C0238198, MeSH D046152, MONDO:0011719, OMIM 606764, HP:0100723.

Submission:

Labcorp Genetics (formerly Invitae), Labcorp
Classification: Uncertain significance for Gastrointestinal stromal tumor. Last evaluated: 2026-01-28. Review status: criteria provided, single submitter. Criteria: Invitae Variant Classification Sherloc (09022015). Collection method: clinical testing. Allele origin: germline.
Comment: This sequence change replaces proline, which is neutral and non-polar, with arginine, which is basic and polar, at codon 319 of the PDGFRA protein (p.Pro319Arg). This variant is not present in population databases (gnomAD no frequency). This variant has not been reported in the literature in individuals affected with PDGFRA-related conditions. Invitae Evidence Modeling of protein sequence and biophysical properties (such as structural, functional, and spatial information, amino acid conservation, physicochemical variation, residue mobility, and thermodynamic stability) indicates that this missense variant is not expected to disrupt PDGFRA protein function with a negative predictive value of 80%. In summary, the available evidence is currently insufficient to determine the role of this variant in disease. Therefore, it has been classified as a Variant of Uncertain Significance.